The following is an entry in ClinVar:

ClinVar aggregate classification (germline): Conflicting classifications of pathogenicity. Review status: criteria provided, conflicting classifications (1 of 4 stars). 2 submissions from 2 submitters: Likely pathogenic (1); Uncertain significance (1). Last evaluated 2022-03-29.

Conditions:
Landau-Kleffner syndrome (FESD). Also called: APHASIA, ACQUIRED, WITH EPILEPSY; EPILEPSY, FOCAL, WITH SPEECH DISORDER AND WITH OR WITHOUT MENTAL RETARDATION. Identifiers: Orphanet 1945, Orphanet 725, Orphanet 98818, MedGen C0282512, MONDO:0009509, OMIM 245570.
Intellectual disability. Also called: Intellectual functioning disability; intellectual disabilities; Intellectual developmental disorder. Identifiers: MedGen C3714756, MeSH D008607, MONDO:0001071, HP:0001249.

Submissions (2):

Laboratory of Medical Genetics, National & Kapodistrian University of Athens
Classification: Likely pathogenic for Landau-Kleffner syndrome. Last evaluated: 2022-03-29. Review status: criteria provided, single submitter. Criteria: ACMG Guidelines, 2015. Collection method: clinical testing. Allele origin: germline. Affected: yes.
Comment: PVS1, PM2

Center of Genomic medicine, Geneva, University Hospital of Geneva
Classification: Uncertain significance for Intellectual disability. Last evaluated: 2016-02-24. Review status: criteria provided, single submitter. Criteria: ACMG Guidelines, 2015. Collection method: clinical testing. Allele origin: germline. Affected: yes. Study: Final Reports_Cases2015_1.

NM_001134407.3(GRIN2A):c.1273del (p.Pro424_Leu425insTer)

Gene: GRIN2A (glutamate ionotropic receptor NMDA type subunit 2A; minus strand). Cytogenetic location: 16p13.2.
Variant type: Deletion.
Coding change: c.1273del on transcript NM_001134407.3 (MANE Select); coding-DNA position 1273, one base deleted (C; older notation c.1273delC).
Protein change: p.Pro424_Leu425insTer.
Molecular consequence: nonsense.
Genome position (GRCh38, 1-based): chr16:9,849,811, G deleted on the plus strand (C on the coding strand, the reverse complement: GRIN2A is on the minus strand); the first of 5 consecutive G bases (chr16:9,849,811-9,849,815); deleting any one gives the same sequence. VCF-style (leftmost placement, unchanged base first): chr16-9849810-AG-A. GRCh37 (hg19) VCF-style: chr16-9943667-AG-A.
Other names: c.1273del, p.Pro424_Leu425insTer (NM_000833.5, NM_001134408.2).
Identifiers: ClinVar variation 242916 (VCV000242916.3), dbSNP rs879253760, ClinGen allele CA10584025.